The following is an entry in ClinVar:

NM_001029896.2(WDR45):c.115G>A (p.Glu39Lys)

Genes: WDR45 (WD repeat domain 45; minus strand), LOC126863256 (BRD4-independent group 4 enhancer GRCh37_chrX:48934848-48936047; plus strand). Cytogenetic location: Xp11.23.
Variant type: single nucleotide variant.
Coding change: c.115G>A on transcript NM_001029896.2 (MANE Select); coding-DNA position 115, G replaced by A.
Protein change: p.Glu39Lys; replaces glutamic acid 39 with lysine.
Molecular consequence: missense variant.
Genome position (GRCh38, 1-based): chrX:49,077,852, C>T on the plus strand (G>A on the coding strand, the complement: WDR45 is on the minus strand). VCF-style: chrX-49077852-C-T. GRCh37 (hg19) VCF-style: chrX-48935511-C-T.
Other names: c.115G>A, p.Glu39Lys (NM_007075.4); short protein forms E39K.
Identifiers: ClinVar variation 1736349 (VCV001736349.2), dbSNP rs2065046905, ClinGen allele CA412949318.
Genomic context (GRCh38, chrX:49,077,852, plus strand): 5'-AGCCCAGCTCTTCTGCCCATTGCCCCTCCCCTGCCAACAGCTCACCCAGATGCCCCTTCT[C>T]CATCAAGGGCTCCACGTTGTAGATGCGCACACCTGTCTCCATGGCGCAGCAAAAGCAGCC-3'
Protein context (NP_001025067.1, residues 29-49): VRIYNVEPLM[Glu39Lys]KGHLDHEQVG

ClinVar aggregate classification (germline): Uncertain significance (1 of 4 stars; one submission).

Conditions:
Inborn genetic diseases. Identifiers: MedGen C0950123, MeSH D030342.

Allele frequency attached by ClinVar (database versions not stated): gnomAD 0.00001.
gnomAD v4.1: 1 of 1,210,509 alleles (0.000083%); highest among the groups gnomAD compares: Admixed American, 0.0022%; no homozygotes.

Submission:

Ambry Genetics
Classification: Uncertain significance for Inborn genetic diseases. Last evaluated: 2018-07-27. Review status: criteria provided, single submitter. Criteria: Ambry Variant Classification Scheme 2023. Collection method: clinical testing. Allele origin: germline.
Comment: The p.E39K variant (also known as c.115G>A), located in coding exon 2 of the WDR45 gene, results from a G to A substitution at nucleotide position 115. The glutamic acid at codon 39 is replaced by lysine, an amino acid with similar properties. This amino acid position is highly conserved in available vertebrate species. In addition, the in silico prediction for this alteration is inconclusive. Since supporting evidence is limited at this time, the clinical significance of this alteration remains unclear.